The following is an entry in ClinVar:

ClinVar aggregate classification (germline): Likely benign. Review status: criteria provided, multiple submitters, no conflicts (2 of 4 stars). 2 submissions from 2 submitters: Likely benign (2). Last evaluated 2022-06-01.

Submissions (2):

CeGaT Center for Human Genetics Tuebingen
Classification: Likely benign. Last evaluated: 2022-06-01. Review status: criteria provided, single submitter. Criteria: CeGaT Center For Human Genetics Tuebingen Variant Classification Criteria Version 2. Collection method: clinical testing. Allele origin: germline. Affected: yes. Observed: 1 variant allele.
Comment: TTN: PM2:Supporting, BP4, BP7

Laboratory for Molecular Medicine, Mass General Brigham Personalized Medicine
Classification: Likely benign. Last evaluated: 2013-12-26. Review status: criteria provided, single submitter. Criteria: LMM Criteria. Collection method: clinical testing. Allele origin: germline. Observed: 1 variant allele.
Comment: Thr4896Thr in exon 45A of TTN: This variant is not expected to have clinical sig nificance because it does not alter an amino acid residue and is not located wit hin the splice consensus sequence. Thr4896Thr in exon 45A of TTN (allele frequ ency = n/a)

NM_133379.5(TTN):c.14688T>C (p.Thr4896=)

Genes: TTN (titin; minus strand), LOC126806432 (CDK7 strongly-dependent group 2 enhancer GRCh37_chr2:179611985-179613184; plus strand). Cytogenetic location: 2q31.2.
Variant type: single nucleotide variant.
Coding change: c.14688T>C on transcript NM_133379.5; coding-DNA position 14688, T replaced by C.
Protein change: p.Thr4896=; no amino-acid change (threonine 4896 retained).
Molecular consequence: synonymous variant. On other transcripts: intron variant (6).
Genome position (GRCh38, 1-based): chr2:178,747,712, A>G on the plus strand (T>C on the coding strand, the complement: TTN is on the minus strand). VCF-style: chr2-178747712-A-G. GRCh37 (hg19) VCF-style: chr2-179612439-A-G.
Other names: c.10222+5412T>C (NM_003319.4); c.10798+5412T>C (NM_133437.4); c.10597+5412T>C (NM_133432.3); c.10360+5412T>C (NM_133378.4, NM_001256850.1); c.11311+5412T>C (NM_001267550.2).
Identifiers: ClinVar variation 166258 (VCV000166258.29), dbSNP rs727503666, ClinGen allele CA179094.